The following is an entry in ClinVar:

NM_023110.3(FGFR1):c.2393A>C (p.His798Pro)

Gene: FGFR1 (fibroblast growth factor receptor 1; minus strand). Cytogenetic location: 8p11.23.
Variant type: single nucleotide variant.
Coding change: c.2393A>C on transcript NM_023110.3 (MANE Select); coding-DNA position 2393, A replaced by C.
Protein change: p.His798Pro; replaces histidine 798 with proline.
Molecular consequence: missense variant. On other transcripts: intron variant (3).
Genome position (GRCh38, 1-based): chr8:38,413,704, T>G on the plus strand (A>C on the coding strand, the complement: FGFR1 is on the minus strand). VCF-style: chr8-38413704-T-G. GRCh37 (hg19) VCF-style: chr8-38271222-T-G.
Other names: c.2387A>C, p.His796Pro (NM_001174063.2, NM_001174065.2, NM_015850.4); c.2363A>C, p.His788Pro (NM_001174064.2); c.2126A>C, p.His709Pro (NM_001174066.2, NM_023105.3); c.2486A>C, p.His829Pro (NM_001174067.2); c.2114A>C, p.His705Pro (NM_001354368.2); c.2286+214A>C (NM_001354367.2); c.2280+214A>C (NM_001354369.2); c.2120A>C, p.His707Pro (NM_023106.3); and 1 more; short protein forms H705P, H709P, H829P, H707P, H788P, H796P, H798P.
Identifiers: ClinVar variation 1488076 (VCV001488076.8), dbSNP rs755160898, ClinGen allele CA370726846.

ClinVar aggregate classification (germline): Uncertain significance (1 of 4 stars; one submission).

Conditions:
Pfeiffer syndrome (ACS5). Also called: ACS V. Identifiers: Orphanet 710, MedGen C0220658, MONDO:0007043, OMIM 101600.
Hypogonadotropic hypogonadism 2 with or without anosmia (HH2). Also called: HYPOGONADOTROPIC HYPOGONADISM 2 WITHOUT ANOSMIA, SUSCEPTIBILITY TO; HYPOGONADOTROPIC HYPOGONADISM 2 WITHOUT ANOSMIA; HYPOGONADOTROPIC HYPOGONADISM 2 WITH OR WITHOUT ANOSMIA, SUSCEPTIBILITY TO; FGFR1-Related GnRH Deficiency (Kallmann Syndrome 2). Identifiers: Orphanet 478, MedGen C1563720, MONDO:0007844, OMIM 147950. Disease mechanism: loss of function.

Submission:

Labcorp Genetics (formerly Invitae), Labcorp
Classification: Uncertain significance for Pfeiffer syndrome; Hypogonadotropic hypogonadism 2 with or without anosmia. Last evaluated: 2022-06-09. Review status: criteria provided, single submitter. Criteria: Invitae Variant Classification Sherloc (09022015). Collection method: clinical testing. Allele origin: germline.
Comment: In summary, the available evidence is currently insufficient to determine the role of this variant in disease. Therefore, it has been classified as a Variant of Uncertain Significance. Algorithms developed to predict the effect of missense changes on protein structure and function are either unavailable or do not agree on the potential impact of this missense change (SIFT: "Tolerated"; PolyPhen-2: "Possibly Damaging"; Align-GVGD: "Class C0"). This variant has not been reported in the literature in individuals affected with FGFR1-related conditions. This variant is not present in population databases (gnomAD no frequency). This sequence change replaces histidine, which is basic and polar, with proline, which is neutral and non-polar, at codon 798 of the FGFR1 protein (p.His798Pro).